The following is an entry in ClinVar:

NM_020778.5(ALPK3):c.3113G>A (p.Arg1038His)

Gene: ALPK3 (alpha kinase 3; plus strand). Cytogenetic location: 15q25.3.
Variant type: single nucleotide variant.
Coding change: c.3113G>A on transcript NM_020778.5 (MANE Select); coding-DNA position 3113, G replaced by A.
Protein change: p.Arg1038His; replaces arginine 1038 with histidine.
Molecular consequence: missense variant.
Genome position (GRCh38, 1-based): chr15:84,857,851, G>A. VCF-style: chr15-84857851-G-A. GRCh37 (hg19) VCF-style: chr15-85401082-G-A.
Other names: p.Arg1240His; short protein forms R1038H.
Identifiers: ClinVar variation 1211437 (VCV001211437.15), dbSNP rs146371614, ClinGen allele CA7709556.

ClinVar aggregate classification (germline): Uncertain significance. Review status: criteria provided, multiple submitters, no conflicts (2 of 4 stars). 5 submissions from 5 submitters: Uncertain significance (5). Last evaluated 2025-12-26.

Conditions:
Cardiovascular phenotype. Identifiers: MedGen CN230736.

Allele frequency attached by ClinVar (database versions not stated): gnomAD 0.00006 and 0.00007; TOPMed 0.00006; ExAC 0.00007; gnomAD exomes 0.00007 and 0.00014; 1000 Genomes Project 30x 0.00016; 1000 Genomes Project 0.00020; ESP Exome Variant Server 0.00023.
gnomAD v4.1: 210 of 1,611,788 alleles (0.013%); highest among the groups gnomAD compares: Non-Finnish European, 0.016%; no homozygotes.

Submissions (5):

Labcorp Genetics (formerly Invitae), Labcorp
Classification: Uncertain significance. Last evaluated: 2025-12-26. Review status: criteria provided, single submitter. Criteria: Invitae Variant Classification Sherloc (09022015). Collection method: clinical testing. Allele origin: germline.
Comment: This sequence change replaces arginine, which is basic and polar, with histidine, which is basic and polar, at codon 1240 of the ALPK3 protein (p.Arg1240His). This variant is present in population databases (rs146371614, gnomAD 0.05%). This variant has not been reported in the literature in individuals affected with ALPK3-related conditions. ClinVar contains an entry for this variant (Variation ID: 1211437). Invitae Evidence Modeling of protein sequence and biophysical properties (such as structural, functional, and spatial information, amino acid conservation, physicochemical variation, residue mobility, and thermodynamic stability) indicates that this missense variant is expected to disrupt ALPK3 protein function with a positive predictive value of 80%. In summary, the available evidence is currently insufficient to determine the role of this variant in disease. Therefore, it has been classified as a Variant of Uncertain Significance.

Mayo Clinic Laboratories, Mayo Clinic
Classification: Uncertain significance. Last evaluated: 2025-06-20. Review status: criteria provided, single submitter. Criteria: ACMG Guidelines, 2015. Collection method: clinical testing. Allele origin: germline. Observed: 1 variant allele.

Ambry Genetics
Classification: Uncertain significance for Cardiovascular phenotype. Last evaluated: 2025-06-13. Review status: criteria provided, single submitter. Criteria: Ambry Variant Classification Scheme 2023. Collection method: clinical testing. Allele origin: germline.
Comment: The p.R1240H variant (also known as c.3719G>A), located in coding exon 6 of the ALPK3 gene, results from a G to A substitution at nucleotide position 3719. The arginine at codon 1240 is replaced by histidine, an amino acid with highly similar properties. This amino acid position is well conserved in available vertebrate species. In addition, the in silico prediction for this alteration is inconclusive. Based on the available evidence, the clinical significance of this variant remains unclear.

Blueprint Genetics
Classification: Uncertain significance. Last evaluated: 2024-10-31. Review status: criteria provided, single submitter. Criteria: ACMG Guidelines, 2015. Collection method: clinical testing. Allele origin: germline.

GeneDx
Classification: Uncertain significance. Last evaluated: 2021-01-21. Review status: criteria provided, single submitter. Criteria: GeneDx Variant Classification Process June 2021. Collection method: clinical testing. Allele origin: germline. Affected: yes.
Comment: In silico analysis supports that this missense variant does not alter protein structure/function; Has not been previously published as pathogenic or benign to our knowledge